The following is an entry in ClinVar:

NM_001851.6(COL9A1):c.976-2A>G

Gene: COL9A1 (collagen type IX alpha 1 chain; minus strand). Cytogenetic location: 6q13.
Variant type: single nucleotide variant.
Coding change: c.976-2A>G on transcript NM_001851.6 (MANE Select); the canonical splice acceptor site of the intron before coding-DNA position 976, A replaced by G.
Molecular consequence: splice acceptor variant.
Genome position (GRCh38, 1-based): chr6:70,274,774, T>C on the plus strand (A>G on the coding strand, the complement: COL9A1 is on the minus strand). VCF-style: chr6-70274774-T-C. GRCh37 (hg19) VCF-style: chr6-70984477-T-C.
Other names: c.247-2A>G (NM_001377290.1, NM_078485.4, NM_001377289.1).
Identifiers: ClinVar variation 4722342 (VCV004722342.1).

ClinVar aggregate classification (germline): Likely pathogenic (1 of 4 stars; one submission).

Submission:

Labcorp Genetics (formerly Invitae), Labcorp
Classification: Likely pathogenic. Last evaluated: 2025-06-29. Review status: criteria provided, single submitter. Criteria: Invitae Variant Classification Sherloc (09022015). Collection method: clinical testing. Allele origin: germline.
Comment: This sequence change affects an acceptor splice site in intron 10 of the COL9A1 gene. It is expected to disrupt RNA splicing. Variants that disrupt the donor or acceptor splice site typically lead to a loss of protein function (PMID: 16199547), and loss-of-function variants in COL9A1 are known to be pathogenic (PMID: 16909383, 21421862). This variant is not present in population databases (gnomAD no frequency). This variant has not been reported in the literature in individuals affected with COL9A1-related conditions. Algorithms developed to predict the effect of sequence changes on RNA splicing suggest that this variant may disrupt the consensus splice site. In summary, the currently available evidence indicates that the variant is pathogenic, but additional data are needed to prove that conclusively. Therefore, this variant has been classified as Likely Pathogenic.

Literature cited by the submitters: PubMed 16199547; PubMed 16909383; PubMed 21421862.